The following is an entry in ClinVar:

NM_020987.5(ANK3):c.11599A>G (p.Ile3867Val)

Gene: ANK3 (ankyrin 3; minus strand). Cytogenetic location: 10q21.2.
Variant type: single nucleotide variant.
Coding change: c.11599A>G on transcript NM_020987.5 (MANE Select); coding-DNA position 11599, A replaced by G.
Protein change: p.Ile3867Val; replaces isoleucine 3867 with valine.
Molecular consequence: missense variant. On other transcripts: intron variant (4).
Genome position (GRCh38, 1-based): chr10:60,069,282, T>C on the plus strand (A>G on the coding strand, the complement: ANK3 is on the minus strand). VCF-style: chr10-60069282-T-C. GRCh37 (hg19) VCF-style: chr10-61829040-T-C.
Other names: c.11599A>G (NM_020987.3); c.4388-1273A>G (NM_001204403.2); c.4409-1273A>G (NM_001204404.2); c.4406-1273A>G (NM_001320874.2); c.1808-1273A>G (NM_001149.4); short protein forms I3867V.
Identifiers: ClinVar variation 2192625 (VCV002192625.6), dbSNP rs761212770, ClinGen allele CA5511069.

ClinVar aggregate classification (germline): Conflicting classifications of pathogenicity. Review status: criteria provided, conflicting classifications (1 of 4 stars). 3 submissions from 3 submitters: Uncertain significance (2); Likely benign (1). Last evaluated 2025-11-17.

Conditions:
Inborn genetic diseases. Identifiers: MedGen C0950123, MeSH D030342.

Allele frequency attached by ClinVar (database versions not stated): TOPMed 0.00003; gnomAD 0.00003; gnomAD exomes 0.00004; ExAC 0.00002.
gnomAD v4.1: 62 of 1,614,048 alleles (0.0038%); highest among the groups gnomAD compares: Middle Eastern, 0.016%; no homozygotes.

Submissions (3):

Labcorp Genetics (formerly Invitae), Labcorp
Classification: Uncertain significance. Last evaluated: 2025-11-17. Review status: criteria provided, single submitter. Criteria: Invitae Variant Classification Sherloc (09022015). Collection method: clinical testing. Allele origin: germline.
Comment: This sequence change replaces isoleucine, which is neutral and non-polar, with valine, which is neutral and non-polar, at codon 3867 of the ANK3 protein (p.Ile3867Val). This variant is present in population databases (rs761212770, gnomAD 0.003%). This variant has not been reported in the literature in individuals affected with ANK3-related conditions. ClinVar contains an entry for this variant (Variation ID: 2192625). An algorithm developed to predict the effect of missense changes on protein structure and function outputs the following: PolyPhen-2: "Benign". The valine amino acid residue is found in multiple mammalian species, which suggests that this missense change does not adversely affect protein function. In summary, the available evidence is currently insufficient to determine the role of this variant in disease. Therefore, it has been classified as a Variant of Uncertain Significance.

Dasa
Classification: Uncertain significance. Last evaluated: 2025-02-09. Review status: criteria provided, single submitter. Criteria: DASA Assertion Criteria. Collection method: clinical testing. Allele origin: germline.
Comment: NM_020987.5(ANK3):c.11599A>G (p.Ile3867Val) is a missense variant that results in the substitution of isoleucine with valine. This variant is rare in population databases. Computational prediction algorithms are consistent with a benign effect. The currently available literature and clinical evidence are not sufficient to establish a definitive association between this variant and the reported condition. Therefore, this variant is classified as a variant of uncertain significance.

Ambry Genetics
Classification: Likely benign for Inborn genetic diseases. Last evaluated: 2024-09-12. Review status: criteria provided, single submitter. Criteria: Ambry Variant Classification Scheme 2023. Collection method: clinical testing. Allele origin: germline.